The following is an entry in ClinVar:

NM_001165963.4(SCN1A):c.3002C>T (p.Ala1001Val)

Gene: SCN1A (sodium voltage-gated channel alpha subunit 1; minus strand). Cytogenetic location: 2q24.3.
Variant type: single nucleotide variant.
Coding change: c.3002C>T on transcript NM_001165963.4 (MANE Select); coding-DNA position 3002, C replaced by T.
Protein change: p.Ala1001Val; replaces alanine 1001 with valine.
Molecular consequence: missense variant. On other transcripts: non-coding transcript variant (1).
Genome position (GRCh38, 1-based): chr2:166,036,475, G>A on the plus strand (C>T on the coding strand, the complement: SCN1A is on the minus strand). VCF-style: chr2-166036475-G-A. GRCh37 (hg19) VCF-style: chr2-166892985-G-A.
Other names: c.2918C>T, p.Ala973Val (NM_001165964.3, NM_001353957.2, NM_001353958.2); c.3002C>T, p.Ala1001Val (NM_001202435.3, NM_001353948.2); c.2969C>T, p.Ala990Val (NM_001353949.2, NM_001353950.2, NM_001353951.2 and 2 more transcripts); c.2966C>T, p.Ala989Val (NM_001353954.2, NM_001353955.2); c.2915C>T, p.Ala972Val (NM_001353960.2); c.560C>T, p.Ala187Val (NM_001353961.2); short protein forms A1001V, A187V, A972V, A973V, A989V, A990V.
Identifiers: ClinVar variation 3905828 (VCV003905828.10).
Genomic context (GRCh38, chr2:166,036,475, plus strand): 5'-TTGTGCATCCTATCCACAGCAATTTGGAGATTATTCATTTCATTATCATCATCAGTGGCT[G>A]CAAGGTTGTCTGCACTAAATGAGCTCAGAAGCAAGGCCAGAAAGAGATTCAGGACCTTAA-3'
Protein context (NP_001159435.1, residues 991-1011): LLSSFSADNL[Ala1001Val]ATDDDNEMNN

ClinVar aggregate classification (germline): Uncertain significance (1 of 4 stars; one submission).

Submission:

CeGaT Center for Human Genetics Tuebingen
Classification: Uncertain significance. Last evaluated: 2025-05-01. Review status: criteria provided, single submitter. Criteria: CeGaT Center For Human Genetics Tuebingen Variant Classification Criteria Version 2. Collection method: clinical testing. Allele origin: germline. Affected: yes. Observed: 1 variant allele.
Comment: SCN1A: PM2, PP2